The following is an entry in ClinVar:

NM_020822.3(KCNT1):c.2278A>G (p.Ile760Val)

Gene: KCNT1 (potassium sodium-activated channel subfamily T member 1; plus strand). Cytogenetic location: 9q34.3.
Variant type: single nucleotide variant.
Coding change: c.2278A>G on transcript NM_020822.3 (MANE Select); coding-DNA position 2278, A replaced by G.
Protein change: p.Ile760Val; replaces isoleucine 760 with valine.
Molecular consequence: missense variant.
Genome position (GRCh38, 1-based): chr9:135,775,344, A>G. VCF-style: chr9-135775344-A-G. GRCh37 (hg19) VCF-style: chr9-138667190-A-G.
Other names: c.2143A>G, p.Ile715Val (NM_001272003.2); short protein forms I715V, I760V.
Identifiers: ClinVar variation 4788038 (VCV004788038.1).
Genomic context (GRCh38, chr9:135,775,344, plus strand): 5'-CTGAGGGCTCCTGTCTCCTGCCCCAGGTATGTGAAGGGCTACCCTCCCAACTCGCCCTAC[A>G]TCGGCAGCTCCCCAACCCTGTGCCACCTCCTGCCTGTGAAAGCCCCCTTCTGCTGCCTGC-3'
Protein context (NP_065873.2, residues 750-770): VKGYPPNSPY[Ile760Val]GSSPTLCHLL

ClinVar aggregate classification (germline): Uncertain significance (1 of 4 stars; one submission).

Conditions:
Autosomal dominant nocturnal frontal lobe epilepsy 5. Also called: CILIARY DYSKINESIA, PRIMARY, 28, WITHOUT SITUS INVERSUS; CILIARY DYSKINESIA, PRIMARY, 28, WITH SITUS INVERSUS; KCNT1-Related Epilepsy; Epilepsy, nocturnal frontal lobe, 5. Identifiers: Orphanet 98784, MedGen C3554306, MONDO:0014002, OMIM 615005.
Developmental and epileptic encephalopathy, 14 (DEE14). Also called: Early infantile epileptic encephalopathy 14. Identifiers: Orphanet 293181, MedGen C3554195, MONDO:0013989, OMIM 614959.

gnomAD v4.1: 2 of 1,609,482 alleles (0.00012%); highest among the groups gnomAD compares: Non-Finnish European, 0.00017%; no homozygotes.

Submission:

Labcorp Genetics (formerly Invitae), Labcorp
Classification: Uncertain significance for Autosomal dominant nocturnal frontal lobe epilepsy 5; Developmental and epileptic encephalopathy, 14. Last evaluated: 2026-01-29. Review status: criteria provided, single submitter. Criteria: Invitae Variant Classification Sherloc (09022015). Collection method: clinical testing. Allele origin: germline.
Comment: This sequence change replaces isoleucine, which is neutral and non-polar, with valine, which is neutral and non-polar, at codon 760 of the KCNT1 protein (p.Ile760Val). This variant is not present in population databases (gnomAD no frequency). This variant has not been reported in the literature in individuals affected with KCNT1-related conditions. Invitae Evidence Modeling of protein sequence and biophysical properties (such as structural, functional, and spatial information, amino acid conservation, physicochemical variation, residue mobility, and thermodynamic stability) indicates that this missense variant is not expected to disrupt KCNT1 protein function with a negative predictive value of 80%. This variant disrupts the p.Ile760 amino acid residue in KCNT1. Other variant(s) that disrupt this residue have been determined to be pathogenic (PMID: 23086397, 29158296, 32593896, 34114611). This suggests that this residue is clinically significant, and that variants that disrupt this residue are likely to be disease-causing. In summary, the available evidence is currently insufficient to determine the role of this variant in disease. Therefore, it has been classified as a Variant of Uncertain Significance.

Literature cited by the submitters: PubMed 23086397; PubMed 29158296; PubMed 32593896; PubMed 34114611.